The following is an entry in ClinVar:

NC_000007.13:g.(?_6026380)_(6048660_?)dup

Genes: PMS2 (PMS1 homolog 2, mismatch repair system component; minus strand), LOC129997916 (ATAC-STARR-seq lymphoblastoid active region 25614; plus strand). Cytogenetic location: 7p22.1.
Variant type: Duplication.
Identifiers: ClinVar variation 583699 (VCV000583699.4).

ClinVar aggregate classification (germline): Uncertain significance (1 of 4 stars; one submission).

Conditions:
Hereditary nonpolyposis colorectal neoplasms. Identifiers: MedGen C0009405, MeSH D003123.

Submission:

Labcorp Genetics (formerly Invitae), Labcorp
Classification: Uncertain significance for Hereditary nonpolyposis colorectal neoplasms. Last evaluated: 2021-10-12. Review status: criteria provided, single submitter. Criteria: Invitae Variant Classification Sherloc (09022015). Collection method: clinical testing. Allele origin: germline.
Comment: A copy number gain of the genomic region encompassing the full coding sequence of the PMS2 gene has been identified. The boundaries of this event are unknown as they extend beyond the assayed region for this gene and therefore may encompass additional genes. As the precise location of this event is unknown, it may be in tandem or it may be located elsewhere in the genome. Whole gene copy number gains of PMS2 have not been published in the literature. A copy number gain encompassing at least exons 1-12 of the PMS2 gene has been reported in an individual diagnosed with colorectal cancer, but it is unclear if exons 13-15 of PMS2 were included in the analysis. High levels of microsatellite instability and loss of PMS2 protein were found in the tumor (PMID: 22120844). Experimental studies and prediction algorithms are not available or were not evaluated, and the functional significance of this variant is currently unknown. In summary, the available evidence is currently insufficient to determine the role of this variant in disease. Therefore, it has been classified as a Variant of Uncertain Significance.

Literature cited by the submitters: PubMed 22120844.